The following is an entry in ClinVar:

NM_030930.4(UNC93B1):c.664G>A (p.Ala222Thr)

Gene: UNC93B1 (unc-93B1 regulator of TLR signaling; minus strand). Cytogenetic location: 11q13.2.
Variant type: single nucleotide variant.
Coding change: c.664G>A on transcript NM_030930.4 (MANE Select); coding-DNA position 664, G replaced by A.
Protein change: p.Ala222Thr; replaces alanine 222 with threonine.
Molecular consequence: missense variant.
Genome position (GRCh38, 1-based): chr11:67,999,196, C>T on the plus strand (G>A on the coding strand, the complement: UNC93B1 is on the minus strand). VCF-style: chr11-67999196-C-T. GRCh37 (hg19) VCF-style: chr11-67766666-C-T.
Other names: short protein forms A222T.
Identifiers: ClinVar variation 1042869 (VCV001042869.6), dbSNP rs766177122, ClinGen allele CA6145565.
Genomic context (GRCh38, chr11:67,999,196, plus strand): 5'-GCCCCTGCCACCCAACAATGGCCCACGTGGCACTCACATGGAAGAAGCTGTAGAAGATGG[C>T]TTGGAAGACCAGGAGATAGGGCGCGTGGGAGCCCCGCGGAGGCCGCTGCTTCATCCCCTG-3'
Protein context (NP_112192.2, residues 212-232): SHAPYLLVFQ[Ala222Thr]IFYSFFHLSF

ClinVar aggregate classification (germline): Uncertain significance (1 of 4 stars; one submission).

Conditions:
Encephalopathy, acute, infection-induced (herpes-specific), susceptibility to, 1. Also called: Herpes simplex encephalitis, susceptibility to, 1. Identifiers: Orphanet 1930, MedGen C2750180, MONDO:0024563, OMIM 610551.

Allele frequency attached by ClinVar (database versions not stated): ExAC 0.00001; gnomAD 0.00002 and below 0.00001; gnomAD exomes 0.00001; TOPMed 0.00001.
gnomAD v4.1: 13 of 1,613,854 alleles (0.00081%); highest among the groups gnomAD compares: South Asian, 0.014%; no homozygotes.

Submission:

Labcorp Genetics (formerly Invitae), Labcorp
Classification: Uncertain significance for Encephalopathy, acute, infection-induced (herpes-specific), susceptibility to, 1. Last evaluated: 2022-09-13. Review status: criteria provided, single submitter. Criteria: Invitae Variant Classification Sherloc (09022015). Collection method: clinical testing. Allele origin: germline.
Comment: This sequence change replaces alanine, which is neutral and non-polar, with threonine, which is neutral and polar, at codon 222 of the UNC93B1 protein (p.Ala222Thr). This variant is present in population databases (rs766177122, gnomAD 0.01%). This variant has not been reported in the literature in individuals affected with UNC93B1-related conditions. ClinVar contains an entry for this variant (Variation ID: 1042869). Experimental studies and prediction algorithms are not available or were not evaluated, and the functional significance of this variant is currently unknown. In summary, the available evidence is currently insufficient to determine the role of this variant in disease. Therefore, it has been classified as a Variant of Uncertain Significance.